The following is an entry in ClinVar:

ClinVar aggregate classification (germline): Uncertain significance. Review status: criteria provided, multiple submitters, no conflicts (2 of 4 stars). 5 submissions from 5 submitters: Uncertain significance (3). 2 of the submissions do not count toward it. Last evaluated 2025-01-01.

Conditions:
Hermansky-Pudlak syndrome 3 (HPS3). Identifiers: Orphanet 231512, Orphanet 79430, MedGen C3888001, MONDO:0013555, OMIM 614072.
HPS3-related disorder. Also called: HPS3-related condition.
Inborn genetic diseases. Identifiers: MedGen C0950123, MeSH D030342.

Allele frequency attached by ClinVar (database versions not stated): TOPMed 0.00003; gnomAD exomes 0.00006; ExAC 0.00010.
gnomAD v4.1: 15 of 1,589,222 alleles (0.00094%); highest among the groups gnomAD compares: Admixed American, 0.026%; no homozygotes.

Submissions (5):

Labcorp Genetics (formerly Invitae), Labcorp
Classification: Uncertain significance. Last evaluated: 2025-01-01. Review status: criteria provided, single submitter. Criteria: Invitae Variant Classification Sherloc (09022015). Collection method: clinical testing. Allele origin: germline.
Comment: This sequence change replaces glutamine, which is neutral and polar, with histidine, which is basic and polar, at codon 53 of the HPS3 protein (p.Gln53His). This variant is present in population databases (rs774480483, gnomAD 0.04%). This variant has not been reported in the literature in individuals affected with HPS3-related conditions. ClinVar contains an entry for this variant (Variation ID: 1049263). Invitae Evidence Modeling of protein sequence and biophysical properties (such as structural, functional, and spatial information, amino acid conservation, physicochemical variation, residue mobility, and thermodynamic stability) has been performed for this missense variant. However, the output from this modeling did not meet the statistical confidence thresholds required to predict the impact of this variant on HPS3 protein function. In summary, the available evidence is currently insufficient to determine the role of this variant in disease. Therefore, it has been classified as a Variant of Uncertain Significance.

Ambry Genetics
Classification: Uncertain significance for Inborn genetic diseases. Last evaluated: 2024-08-15. Review status: criteria provided, single submitter. Criteria: Ambry Variant Classification Scheme 2023. Collection method: clinical testing. Allele origin: germline.

Fulgent Genetics
Classification: Uncertain significance for Hermansky-Pudlak syndrome 3. Last evaluated: 2022-04-26. Review status: criteria provided, single submitter. Criteria: ACMG Guidelines, 2015. Collection method: clinical testing. Allele origin: unknown.

PreventionGenetics, part of Exact Sciences
Classification: Uncertain significance for HPS3-related condition. Last evaluated: 2024-09-08. Review status: no assertion criteria provided. Collection method: clinical testing. Allele origin: germline. Not counted in ClinVar's aggregate classification.
Comment: The HPS3 c.159G>T variant is predicted to result in the amino acid substitution p.Gln53His. To our knowledge, this variant has not been reported in the literature. This variant is reported in 0.040% of alleles in individuals of Latino descent in gnomAD. At this time, the clinical significance of this variant is uncertain due to the absence of conclusive functional and genetic evidence.

Department of Pathology and Laboratory Medicine, Sinai Health System
Classification: Uncertain significance. Review status: no assertion criteria provided. Collection method: clinical testing. Allele origin: unknown. Affected: yes. Study: The Canadian Open Genetics Repository (COGR). Not counted in ClinVar's aggregate classification.
Comment: The HPS3 p.Gln53His variant was not identified in the literature nor was it identified in ClinVar, Cosmic, or LOVD 3.0, The variant was identified in dbSNP (ID: rs774480483). The variant was identified in control databases in 14 of 232000 chromosomes at a frequency of 0.00006 (Genome Aggregation Database Feb 27, 2017). The variant was observed in the following populations: Latino in 13 of 32198 chromosomes (freq: 0.000404), Other in 1 of 6304 chromosomes (freq: 0.000159), while the variant was not observed in the African, Ashkenazi Jewish, East Asian, European (Finnish), European (non-Finnish), and South Asian populations. The p.Gln53 residue is not conserved in mammals and computational analyses (PolyPhen-2, SIFT, AlignGVGD, BLOSUM, MutationTaster) do not suggest a high likelihood of impact to the protein; however, this information is not predictive enough to rule out pathogenicity. The variant occurs outside of the splicing consensus sequence and 1 of 4 in silico or computational prediction software programs (NNSPLICE) predict a greater than 10% difference in splicing (decrease in 5â€šÃ„Ã´ splicing activity five bp downstream from the variant location, not at a canonical splice site); this is not very predictive of pathogenicity. In summary, based on the above information the clinical significance of this variant cannot be determined with certainty at this time. This variant is classified as a variant of uncertain significance.

NM_032383.5(HPS3):c.159G>T (p.Gln53His)

Gene: HPS3 (HPS3 biogenesis of lysosomal organelles complex 2 subunit 1; plus strand). Cytogenetic location: 3q24.
Variant type: single nucleotide variant.
Coding change: c.159G>T on transcript NM_032383.5 (MANE Select); coding-DNA position 159, G replaced by T.
Protein change: p.Gln53His; replaces glutamine 53 with histidine.
Molecular consequence: missense variant.
Genome position (GRCh38, 1-based): chr3:149,129,882, G>T. VCF-style: chr3-149129882-G-T. GRCh37 (hg19) VCF-style: chr3-148847669-G-T.
Other names: c.159G>T, p.Gln53His (NM_001308258.2); c.159G>T (NM_032383.4, NM_032383.3); short protein forms Q53H.
Identifiers: ClinVar variation 1049263 (VCV001049263.7), dbSNP rs774480483, ClinGen allele CA2659728.